The following is an entry in ClinVar:

NM_001854.4(COL11A1):c.652-19G>T

Gene: COL11A1 (collagen type XI alpha 1 chain; minus strand). Cytogenetic location: 1p21.1.
Variant type: single nucleotide variant.
Coding change: c.652-19G>T on transcript NM_001854.4 (MANE Select); 19 bases into the intron before coding-DNA position 652, G replaced by T.
Molecular consequence: intron variant.
Genome position (GRCh38, 1-based): chr1:103,031,263, C>A on the plus strand (G>T on the coding strand, the complement: COL11A1 is on the minus strand). VCF-style: chr1-103031263-C-A. GRCh37 (hg19) VCF-style: chr1-103496819-C-A.
Other names: c.652-19G>T (NM_001190709.2, NM_080629.3, NM_080630.4 and 1 more transcripts).
Identifiers: ClinVar variation 1623830 (VCV001623830.11), dbSNP rs750425179, ClinGen allele CA975374.
Genomic context (GRCh38, chr1:103,031,263, plus strand): 5'-TGCCTTGGGATCACCTGTGATCAAAAACTGCTGAATGTCCCCCTGGGAAAAAAAAAAAAA[C>A]AAAAACAAACAGACACAGATTCAGTTAGCATATTAAAGTACACATATACCAAAGCGAGAT-3'

ClinVar aggregate classification (germline): Likely benign. Review status: criteria provided, multiple submitters, no conflicts (2 of 4 stars). 3 submissions from 3 submitters: Likely benign (2). 1 of the submissions does not count toward it. Last evaluated 2026-01-22.

Conditions:
COL11A1-related disorder. Also called: COL11A1-related disorders; COL11A1-related condition.

Allele frequency attached by ClinVar (database versions not stated): ExAC 0.00018.

Submissions (3):

Labcorp Genetics (formerly Invitae), Labcorp
Classification: Likely benign. Last evaluated: 2026-01-22. Review status: criteria provided, single submitter. Criteria: Invitae Variant Classification Sherloc (09022015). Collection method: clinical testing. Allele origin: germline.

Blueprint Genetics
Classification: Likely benign. Last evaluated: 2024-09-11. Review status: criteria provided, single submitter. Criteria: ACMG Guidelines, 2015. Collection method: clinical testing. Allele origin: germline.

PreventionGenetics, part of Exact Sciences
Classification: Likely benign for COL11A1-related condition. Last evaluated: 2022-11-15. Review status: no assertion criteria provided. Collection method: clinical testing. Allele origin: germline. Not counted in ClinVar's aggregate classification.
Comment: This variant is classified as likely benign based on ACMG/AMP sequence variant interpretation guidelines (Richards et al. 2015 PMID: 25741868, with internal and published modifications).